The following is an entry in ClinVar:

NM_005902.4(SMAD3):c.1011A>G (p.Gly337=)

Gene: SMAD3 (SMAD family member 3; plus strand). Cytogenetic location: 15q22.33.
Variant type: single nucleotide variant.
Coding change: c.1011A>G on transcript NM_005902.4 (MANE Select); coding-DNA position 1011, A replaced by G.
Protein change: p.Gly337=; no amino-acid change (glycine 337 retained).
Molecular consequence: synonymous variant.
Genome position (GRCh38, 1-based): chr15:67,187,366, A>G. VCF-style: chr15-67187366-A-G. GRCh37 (hg19) VCF-style: chr15-67479704-A-G.
Other names: c.696A>G, p.Gly232= (NM_001145102.2, NM_001407016.1); c.879A>G, p.Gly293= (NM_001145103.2, NM_001407012.1); c.426A>G, p.Gly142= (NM_001145104.2, NM_001407017.1); c.1122A>G, p.Gly374= (NM_001407011.1); c.873A>G, p.Gly291= (NM_001407013.1); c.864A>G, p.Gly288= (NM_001407014.1); c.564A>G, p.Gly188= (NM_001407015.1).
Identifiers: ClinVar variation 3072681 (VCV003072681.1), dbSNP rs556975942, ClinGen allele CA061561.

ClinVar aggregate classification (germline): Likely benign (1 of 4 stars; one submission).

Conditions:
Aneurysm-osteoarthritis syndrome. Also called: SMAD3-Related Loeys-Dietz Syndrome; ANEURYSMS-OSTEOARTHRITIS SYNDROME; Loeys-Dietz syndrome, type 1C; LOEYS-DIETZ SYNDROME WITH OSTEOARTHRITIS. Identifiers: Orphanet 284984, MedGen C3151087, MONDO:0013426, OMIM 613795.

Allele frequency attached by ClinVar (database versions not stated): ExAC 0.00001; 1000 Genomes Project 30x 0.00016; 1000 Genomes Project 0.00020.
gnomAD v4.1: 1 of 1,614,146 alleles (0.000062%); highest among the groups gnomAD compares: African/African-American, 0.0013%; no homozygotes.

Submission:

All of Us Research Program, National Institutes of Health
Classification: Likely benign for Aneurysm-osteoarthritis syndrome. Last evaluated: 2023-08-15. Review status: criteria provided, single submitter. Criteria: ACMG Guidelines, 2015. Collection method: clinical testing. Allele origin: germline. Inheritance: Autosomal dominant inheritance. Observed: 1 variant allele, 1 heterozygote.
Comment: This study involves interpretation of variants in research participants for the purpose of population health screening. Participant phenotype was not available at the time of variant classification. Additional details can be found in publication PMID: 35346344, PMCID: PMC8962531